The following is an entry in ClinVar:

ClinVar aggregate classification (germline): Uncertain significance (1 of 4 stars; one submission).

Submission:

Labcorp Genetics (formerly Invitae), Labcorp
Classification: Uncertain significance. Last evaluated: 2026-01-05. Review status: criteria provided, single submitter. Criteria: Invitae Variant Classification Sherloc (09022015). Collection method: clinical testing. Allele origin: germline.
Comment: This sequence change replaces valine, which is neutral and non-polar, with methionine, which is neutral and non-polar, at codon 471 of the TPP1 protein (p.Val471Met). This variant is not present in population databases (gnomAD no frequency). This variant has not been reported in the literature in individuals affected with TPP1-related conditions. ClinVar contains an entry for this variant (Variation ID: 1373497). Invitae Evidence Modeling of protein sequence and biophysical properties (such as structural, functional, and spatial information, amino acid conservation, physicochemical variation, residue mobility, and thermodynamic stability) indicates that this missense variant is expected to disrupt TPP1 protein function with a positive predictive value of 95%. In summary, the available evidence is currently insufficient to determine the role of this variant in disease. Therefore, it has been classified as a Variant of Uncertain Significance.

NM_000391.4(TPP1):c.1411G>A (p.Val471Met)

Gene: TPP1 (tripeptidyl peptidase 1; minus strand). Cytogenetic location: 11p15.4.
Variant type: single nucleotide variant.
Coding change: c.1411G>A on transcript NM_000391.4 (MANE Select); coding-DNA position 1411, G replaced by A.
Protein change: p.Val471Met; replaces valine 471 with methionine.
Molecular consequence: missense variant.
Genome position (GRCh38, 1-based): chr11:6,615,185, C>T on the plus strand (G>A on the coding strand, the complement: TPP1 is on the minus strand). VCF-style: chr11-6615185-C-T. GRCh37 (hg19) VCF-style: chr11-6636416-C-T.
Other names: short protein forms V471M.
Identifiers: ClinVar variation 1373497 (VCV001373497.6), dbSNP rs2134591541, ClinGen allele CA379472532.